The following is an entry in ClinVar:

ClinVar aggregate classification (germline): Uncertain significance (1 of 4 stars; one submission).

Conditions:
RAI1-related disorder. Also called: RAI1-related condition.

Submission:

PreventionGenetics, part of Exact Sciences
Classification: Uncertain significance for RAI1-related condition. Last evaluated: 2026-07-22. Review status: criteria provided, single submitter. Criteria: ACMG Guidelines, 2015. Collection method: clinical testing. Allele origin: germline.
Comment: The RAI1 c.4261_4263delACT variant is predicted to result in an in-frame deletion (p.Thr1421del). To our knowledge, this variant has not been reported in the literature. This variant is reported in 0.0033% of alleles in individuals of South Asian descent in gnomAD. At this time, the clinical significance of this variant is uncertain due to the absence of conclusive functional and genetic evidence.

NM_030665.4(RAI1):c.4261_4263del (p.Thr1421del)

Gene: RAI1 (retinoic acid induced 1; plus strand). Cytogenetic location: 17p11.2.
Variant type: Deletion.
Coding change: c.4261_4263del on transcript NM_030665.4 (MANE Select); coding-DNA positions 4261 to 4263, 3 bases deleted (ACT; older notation c.4261_4263delACT).
Protein change: p.Thr1421del; deletes threonine 1421.
Molecular consequence: inframe deletion.
Genome position (GRCh38, 1-based): chr17:17,797,209-17,797,211, ACT deleted; deleting any 3 consecutive bases within chr17:17,797,207-17,797,211 gives the same sequence; the c. name uses the placement nearest the transcript's 3' end. VCF-style (leftmost placement, unchanged base first): chr17-17797206-TCTA-T. GRCh37 (hg19) VCF-style: chr17-17700520-TCTA-T.
Other names: short protein forms T1421del.
Identifiers: ClinVar variation 4995272 (VCV004995272.1).